The following is an entry in ClinVar:

ClinVar aggregate classification (germline): Benign/Likely benign. Review status: criteria provided, multiple submitters, no conflicts (2 of 4 stars). 7 submissions from 7 submitters: Benign (2); Likely benign (4). 1 of the submissions does not count toward it. Last evaluated 2026-09-01.

Conditions:
Autosomal dominant sensory ataxia 1. Identifiers: MedGen C1837015, MONDO:0012166, OMIM 608984.

Allele frequency attached by ClinVar (database versions not stated): gnomAD 0.00204; 1000 Genomes Project 0.00260; 1000 Genomes Project 30x 0.00297; ESP Exome Variant Server 0.00315; TOPMed 0.00349; gnomAD exomes 0.00378 and 0.00476; ExAC 0.00468.
gnomAD v4.1: 6,175 of 1,613,544 alleles (0.38%); highest among the groups gnomAD compares: Middle Eastern, 1.4%; 48 homozygotes.

Submissions (7):

CeGaT Center for Human Genetics Tuebingen
Classification: Likely benign. Last evaluated: 2026-09-01. Review status: criteria provided, single submitter. Criteria: CeGaT Center For Human Genetics Tuebingen Variant Classification Criteria Version 2. Collection method: clinical testing. Allele origin: germline. Affected: yes. Observed: 14 variant alleles.
Comment: RNF170: BS2

Mayo Clinic Laboratories, Mayo Clinic
Classification: Benign. Last evaluated: 2025-10-23. Review status: criteria provided, single submitter. Criteria: ACMG Guidelines, 2015. Collection method: clinical testing. Allele origin: germline. Observed: 2 variant alleles.
Comment: BS1, BS2

Genomic Medicine Center of Excellence, King Faisal Specialist Hospital and Research Centre
Classification: Likely benign. Last evaluated: 2025-08-18. Review status: criteria provided, single submitter. Criteria: ACMG Guidelines, 2015. Collection method: clinical testing. Allele origin: germline.

Labcorp Genetics (formerly Invitae), Labcorp
Classification: Benign. Last evaluated: 2019-12-31. Review status: criteria provided, single submitter. Criteria: Invitae Variant Classification Sherloc (09022015). Collection method: clinical testing. Allele origin: germline.

Clinical Genetics DNA and cytogenetics Diagnostics Lab, Erasmus MC, Erasmus Medical Center
Classification: Likely benign for Autosomal dominant sensory ataxia 1. Last evaluated: 2015-09-21. Review status: criteria provided, single submitter. Criteria: ACGS Guidelines, 2013. Collection method: clinical testing. Allele origin: germline. Affected: yes. Study: VKGL Data-share Consensus.

Breakthrough Genomics
Classification: Likely benign. Review status: criteria provided, single submitter. Criteria: ACMG Guidelines, 2015. Collection method: not provided. Allele origin: germline. Inheritance: Autosomal recessive inheritance. Affected: yes.

Clinical Genetics, Academic Medical Center
Classification: Benign. Review status: no assertion criteria provided. Collection method: clinical testing. Allele origin: germline. Affected: yes. Study: VKGL Data-share Consensus. Not counted in ClinVar's aggregate classification.

NM_030954.4(RNF170):c.374G>A (p.Ser125Asn)

Gene: RNF170 (ring finger protein 170; minus strand). Cytogenetic location: 8p11.21.
Variant type: single nucleotide variant.
Coding change: c.374G>A on transcript NM_030954.4 (MANE Select); coding-DNA position 374, G replaced by A.
Protein change: p.Ser125Asn; replaces serine 125 with asparagine.
Molecular consequence: missense variant.
Genome position (GRCh38, 1-based): chr8:42,865,438, C>T on the plus strand (G>A on the coding strand, the complement: RNF170 is on the minus strand). VCF-style: chr8-42865438-C-T. GRCh37 (hg19) VCF-style: chr8-42720581-C-T.
Other names: p.Ser125Asn; c.374G>A, p.Ser125Asn (NM_001160223.2, NM_001160224.2); c.122G>A, p.Ser41Asn (NM_001160225.2); short protein forms S125N, S41N.
Identifiers: ClinVar variation 522306 (VCV000522306.34), dbSNP rs144435181, ClinGen allele CA4734891.